The following is an entry in ClinVar:

ClinVar aggregate classification (germline): Likely benign. Review status: criteria provided, multiple submitters, no conflicts (2 of 4 stars). 2 submissions from 2 submitters: Likely benign (2). Last evaluated 2026-05-22.

Conditions:
NECTIN4-related disorder. Also called: NECTIN4-related condition.

Allele frequency attached by ClinVar (database versions not stated): gnomAD 0.00031; ExAC 0.00037; ESP Exome Variant Server 0.00038; TOPMed 0.00044.
gnomAD v4.1: 669 of 1,612,224 alleles (0.041%); highest among the groups gnomAD compares: Admixed American, 0.087%; 1 homozygote.

Submissions (2):

PreventionGenetics, part of Exact Sciences
Classification: Likely benign for NECTIN4-related condition. Last evaluated: 2026-05-22. Review status: criteria provided, single submitter. Criteria: ACMG Guidelines, 2015. Collection method: clinical testing. Allele origin: germline.
Comment: This variant is classified as likely benign based on ACMG/AMP sequence variant interpretation guidelines (Richards et al. 2015 PMID: 25741868, with internal and published modifications).

Labcorp Genetics (formerly Invitae), Labcorp
Classification: Likely benign. Last evaluated: 2025-11-29. Review status: criteria provided, single submitter. Criteria: Invitae Variant Classification Sherloc (09022015). Collection method: clinical testing. Allele origin: germline.

NM_030916.3(NECTIN4):c.267T>C (p.His89=)

Gene: NECTIN4 (nectin cell adhesion molecule 4; minus strand). Cytogenetic location: 1q23.3.
Variant type: single nucleotide variant.
Coding change: c.267T>C on transcript NM_030916.3 (MANE Select); coding-DNA position 267, T replaced by C.
Protein change: p.His89=; no amino-acid change (histidine 89 retained).
Molecular consequence: synonymous variant.
Genome position (GRCh38, 1-based): chr1:161,079,762, A>G on the plus strand (T>C on the coding strand, the complement: NECTIN4 is on the minus strand). VCF-style: chr1-161079762-A-G. GRCh37 (hg19) VCF-style: chr1-161049552-A-G.
Other names: c.267T>C (NM_030916.2).
Identifiers: ClinVar variation 2053553 (VCV002053553.5), dbSNP rs199873560, ClinGen allele CA1205131.